The following is an entry in ClinVar:

NM_006766.5(KAT6A):c.1185T>G (p.Asp395Glu)

Gene: KAT6A (lysine acetyltransferase 6A; minus strand). Cytogenetic location: 8p11.21.
Variant type: single nucleotide variant.
Coding change: c.1185T>G on transcript NM_006766.5 (MANE Select); coding-DNA position 1185, T replaced by G.
Protein change: p.Asp395Glu; replaces aspartic acid 395 with glutamic acid.
Molecular consequence: missense variant.
Genome position (GRCh38, 1-based): chr8:41,977,186, A>C on the plus strand (T>G on the coding strand, the complement: KAT6A is on the minus strand). VCF-style: chr8-41977186-A-C. GRCh37 (hg19) VCF-style: chr8-41834704-A-C.
Other names: c.1185T>G, p.Asp395Glu (NM_001305878.2); short protein forms D395E.
Identifiers: ClinVar variation 588308 (VCV000588308.16), dbSNP rs111806051, ClinGen allele CA4730221.
Genomic context (GRCh38, chr8:41,977,186, plus strand): 5'-TTTGGTAAGGCCATCAATGAGCCCTTTGGTTTTCTTGTTGAACTTCAAGGAGACATTGCT[A>C]TCTCTGCAGAAGTCCAAGCCATCTATCCGCTCTAAATATCCTTCTTCTGATGATGATGAT-3'
Protein context (NP_006757.2, residues 385-405): ERIDGLDFCR[Asp395Glu]SNVSLKFNKK

ClinVar aggregate classification (germline): Benign/Likely benign. Review status: criteria provided, multiple submitters, no conflicts (2 of 4 stars). 6 submissions from 6 submitters: Benign (1); Likely benign (3). 2 of the submissions do not count toward it. Last evaluated 2026-01-27.

Conditions:
Inborn genetic diseases. Identifiers: MedGen C0950123, MeSH D030342.
KAT6A-related disorder. Also called: KAT6A-related condition.
Intellectual disability. Also called: intellectual disabilities; Intellectual developmental disorder; Intellectual functioning disability. Identifiers: MedGen C3714756, MeSH D008607, MONDO:0001071, HP:0001249.

Allele frequency attached by ClinVar (database versions not stated): 1000 Genomes Project 30x 0.00062; 1000 Genomes Project 0.00080; ESP Exome Variant Server 0.00023; gnomAD 0.00036 and 0.00038; TOPMed 0.00050; ExAC 0.00052; gnomAD exomes 0.00054.

Submissions (6):

Labcorp Genetics (formerly Invitae), Labcorp
Classification: Likely benign. Last evaluated: 2026-01-27. Review status: criteria provided, single submitter. Criteria: Invitae Variant Classification Sherloc (09022015). Collection method: clinical testing. Allele origin: germline.

Blueprint Genetics
Classification: Likely benign. Last evaluated: 2024-09-23. Review status: criteria provided, single submitter. Criteria: ACMG Guidelines, 2015. Collection method: clinical testing. Allele origin: germline.

GeneDx
Classification: Benign. Last evaluated: 2019-10-01. Review status: criteria provided, single submitter. Criteria: GeneDx Variant Classification Process June 2021. Collection method: clinical testing. Allele origin: germline. Affected: yes.

Ambry Genetics
Classification: Likely benign for Inborn genetic diseases. Last evaluated: 2018-03-09. Review status: criteria provided, single submitter. Criteria: Ambry Variant Classification Scheme 2023. Collection method: clinical testing. Allele origin: germline.

PreventionGenetics, part of Exact Sciences
Classification: Likely benign for KAT6A-related condition. Last evaluated: 2021-12-27. Review status: no assertion criteria provided. Collection method: clinical testing. Allele origin: germline. Not counted in ClinVar's aggregate classification.
Comment: This variant is classified as likely benign based on ACMG/AMP sequence variant interpretation guidelines (Richards et al. 2015 PMID: 25741868, with internal and published modifications).

Centre de Biologie Pathologie Génétique, Centre Hospitalier Universitaire de Lille
Classification: Likely benign for Intellectual disability. Last evaluated: 2019-01-01. Review status: no assertion criteria provided. Collection method: clinical testing. Allele origin: inherited. Affected: yes. Not counted in ClinVar's aggregate classification.